The following is an entry in ClinVar:

NC_000007.13:g.(?_100411254)_(100411663_?)del

Gene: EPHB4 (EPH receptor B4; minus strand). Cytogenetic location: 7q22.1.
Variant type: Deletion.
Identifiers: ClinVar variation 3245883 (VCV003245883.1).

ClinVar aggregate classification (germline): Uncertain significance (1 of 4 stars; one submission).

Submission:

Labcorp Genetics (formerly Invitae), Labcorp
Classification: Uncertain significance. Last evaluated: 2023-06-22. Review status: criteria provided, single submitter. Criteria: Invitae Variant Classification Sherloc (09022015). Collection method: clinical testing. Allele origin: unknown.
Comment: This variant is a gross deletion of the genomic region encompassing exon(s) 9-10 of the EPHB4 gene. This variant would be expected to be in-frame, preserving the integrity of the reading frame. A similar copy number variant has been observed in individual(s) with EPHB4-related conditions (Invitae). Experimental studies and prediction algorithms are not available or were not evaluated, and the functional significance of this variant is currently unknown. In summary, the available evidence is currently insufficient to determine the role of this variant in disease. Therefore, it has been classified as a Variant of Uncertain Significance.